The following is an entry in ClinVar:

ClinVar aggregate classification (germline): Uncertain significance (1 of 4 stars; one submission).

Conditions:
Left ventricular noncompaction 8 (LVNC8). Identifiers: Orphanet 154, Orphanet 54260, MedGen C3809288, MONDO:0014152, OMIM 615373.

Submission:

Labcorp Genetics (formerly Invitae), Labcorp
Classification: Uncertain significance for Left ventricular noncompaction 8. Last evaluated: 2022-08-18. Review status: criteria provided, single submitter. Criteria: Invitae Variant Classification Sherloc (09022015). Collection method: clinical testing. Allele origin: germline.
Comment: This variant results in a copy number gain of the genomic region encompassing exon(s) 2-3 of the PRDM16 gene. While the exact position of this variant cannot be determined from the data, sub-genic copy number gains are generally in tandem (PMID: 25640679). This variant is predicted to be out-of-frame, and may result in an absent or disrupted protein product. However, the current clinical and genetic evidence is not sufficient to establish whether loss-of-function variants in PRDM16 cause disease. This variant has not been reported in the literature in individuals affected with PRDM16-related conditions. In summary, the available evidence is currently insufficient to determine the role of this variant in disease. Therefore, it has been classified as a Variant of Uncertain Significance.

Literature cited by the submitters: PubMed 25640679.

NC_000001.10:g.(?_3102669)_(3160721_?)dup

Gene: PRDM16 (PR/SET domain 16; plus strand). Cytogenetic location: 1p36.32.
Variant type: Duplication.
Identifiers: ClinVar variation 2426722 (VCV002426722.3).